The following is an entry in ClinVar:

ClinVar aggregate classification (germline): Uncertain significance (1 of 4 stars; one submission).

Allele frequency attached by ClinVar (database versions not stated): gnomAD exomes 0.00001.
gnomAD v4.1: 3 of 1,614,232 alleles (0.00019%); highest among the groups gnomAD compares: Non-Finnish European, 0.00025%; no homozygotes.

Submission:

Labcorp Genetics (formerly Invitae), Labcorp
Classification: Uncertain significance. Last evaluated: 2022-07-31. Review status: criteria provided, single submitter. Criteria: Invitae Variant Classification Sherloc (09022015). Collection method: clinical testing. Allele origin: germline.
Comment: Algorithms developed to predict the effect of missense changes on protein structure and function (SIFT, PolyPhen-2, Align-GVGD) all suggest that this variant is likely to be tolerated. In summary, the available evidence is currently insufficient to determine the role of this variant in disease. Therefore, it has been classified as a Variant of Uncertain Significance. This variant has not been reported in the literature in individuals affected with ABHD5-related conditions. This variant is not present in population databases (gnomAD no frequency). This sequence change replaces isoleucine, which is neutral and non-polar, with valine, which is neutral and non-polar, at codon 308 of the ABHD5 protein (p.Ile308Val).

NM_016006.6(ABHD5):c.922A>G (p.Ile308Val)

Gene: ABHD5 (abhydrolase domain containing 5, lysophosphatidic acid acyltransferase; plus strand). Cytogenetic location: 3p21.33.
Variant type: single nucleotide variant.
Coding change: c.922A>G on transcript NM_016006.6 (MANE Select); coding-DNA position 922, A replaced by G.
Protein change: p.Ile308Val; replaces isoleucine 308 with valine.
Molecular consequence: missense variant. On other transcripts: non-coding transcript variant (1), intron variant (1).
Genome position (GRCh38, 1-based): chr3:43,717,819, A>G. VCF-style: chr3-43717819-A-G. GRCh37 (hg19) VCF-style: chr3-43759311-A-G.
Other names: c.922A>G, p.Ile308Val (NM_001355186.2); c.799A>G, p.Ile267Val (NM_001365649.1); c.774-624A>G (NM_001365650.1); short protein forms I267V, I308V.
Identifiers: ClinVar variation 1917770 (VCV001917770.5), dbSNP rs774687594, ClinGen allele CA2341497.